The following is an entry in ClinVar:

NM_133379.5(TTN):c.15948A>C (p.Leu5316Phe)

Gene: TTN (titin; minus strand). Cytogenetic location: 2q31.2.
Variant type: single nucleotide variant.
Coding change: c.15948A>C on transcript NM_133379.5 (MANE Plus Clinical); coding-DNA position 15948, A replaced by C.
Protein change: p.Leu5316Phe; replaces leucine 5316 with phenylalanine.
Molecular consequence: missense variant. On other transcripts: intron variant (6).
Genome position (GRCh38, 1-based): chr2:178,746,452, T>G on the plus strand (A>C on the coding strand, the complement: TTN is on the minus strand). VCF-style: chr2-178746452-T-G. GRCh37 (hg19) VCF-style: chr2-179611179-T-G.
Other names: p.L5316F:TTA>TTC; c.10223-4531A>C (NM_003319.4); c.10799-4531A>C (NM_133437.4); c.10598-4531A>C (NM_133432.3); c.10360+6672A>C (NM_133378.4); c.10361-4531A>C (NM_001256850.1); c.11312-4531A>C (NM_001267550.2); short protein forms L5316F.
Identifiers: ClinVar variation 203212 (VCV000203212.2), dbSNP rs794729597, ClinGen allele CA311695.
Genomic context (GRCh38, chr2:178,746,452, plus strand): 5'-AAATTCGGGAACTGTCACTATTTTCACCTGCTTCTCAAATTCTTTAACGTCTTTTTCACT[T>G]AATTCAACTTCCAGGACAATTTCTTGAGGAGAAGGTGTTCTTGATGATGTGGTGTGTTCC-3'

ClinVar aggregate classification (germline): Uncertain significance (1 of 4 stars; one submission).

Submission:

GeneDx
Classification: Uncertain significance. Last evaluated: 2014-06-25. Review status: criteria provided, single submitter. Criteria: GeneDx Variant Classification (06012015). Collection method: clinical testing. Allele origin: germline. Affected: yes.
Comment: Missense variants in the TTN gene are considered 'unclassified' if they are not previously reported in the literature and do not have >1% frequency in the population to be considered a polymorphism. Research indicates that truncating mutations in the TTN gene are expected to account for approximately 25% of familial and 18% of sporadic idiopathic DCM; however, truncating variants in the TTN gene have been reported in approximately 3% of reported control alleles. There has been little investigation into non-truncating variants. (Herman D et al. Truncations of titin causing dilated cardiomyopathy. N Eng J Med 366:619-628, 2012) The variant is found in CARDIOMYOPATHY panel(s).